The following is an entry in ClinVar:

NM_000760.4(CSF3R):c.2221C>T (p.Gln741Ter)

Gene: CSF3R (colony stimulating factor 3 receptor; minus strand). Cytogenetic location: 1p34.3.
Variant type: single nucleotide variant.
Coding change: c.2221C>T on transcript NM_000760.4 (MANE Select); coding-DNA position 2221, C replaced by T.
Protein change: p.Gln741Ter; replaces glutamine 741 with a stop codon.
Molecular consequence: nonsense.
Genome position (GRCh38, 1-based): chr1:36,466,647, G>A on the plus strand (C>T on the coding strand, the complement: CSF3R is on the minus strand). VCF-style: chr1-36466647-G-A. GRCh37 (hg19) VCF-style: chr1-36932248-G-A.
Other names: c.2302C>T, p.Gln768Ter (NM_156039.3); c.2221C>T, p.Gln741Ter (NM_172313.3); short protein forms Q741*, Q768*.
Identifiers: ClinVar variation 988433 (VCV000988433.3), dbSNP rs1650335100, ClinGen allele CA339413602.

ClinVar aggregate classification (germline): Conflicting classifications of pathogenicity. Review status: criteria provided, conflicting classifications (1 of 4 stars). 2 submissions from 2 submitters: Pathogenic (1); Uncertain significance (1). Last evaluated 2024-02-22.

Conditions:
Autosomal recessive severe congenital neutropenia due to CSF3R deficiency. Also called: Neutropenia, severe congenital, 7, autosomal recessive. Identifiers: Orphanet 420702, MedGen C4310764, MONDO:0014865, OMIM 617014.

Submissions (2):

Labcorp Genetics (formerly Invitae), Labcorp
Classification: Uncertain significance for Autosomal recessive severe congenital neutropenia due to CSF3R deficiency. Last evaluated: 2024-02-22. Review status: criteria provided, single submitter. Criteria: Invitae Variant Classification Sherloc (09022015). Collection method: clinical testing. Allele origin: germline.
Comment: This sequence change creates a premature translational stop signal (p.Gln741*) in the CSF3R gene. While this is not anticipated to result in nonsense mediated decay, it is expected to disrupt the last 96 amino acid(s) of the CSF3R protein. This variant is not present in population databases (gnomAD no frequency). This premature translational stop signal has been observed in individual(s) with neutropenia (neutropenia). This variant is also known as p.Q768*. ClinVar contains an entry for this variant (Variation ID: 988433). Experimental studies and prediction algorithms are not available or were not evaluated, and the functional significance of this variant is currently unknown. In summary, the available evidence is currently insufficient to determine the role of this variant in disease. Therefore, it has been classified as a Variant of Uncertain Significance.

Clinical Genetics and Genomics, Karolinska University Hospital
Classification: Pathogenic. Last evaluated: 2019-04-10. Review status: criteria provided, single submitter. Criteria: ACMG Guidelines, 2015. Collection method: clinical testing. Allele origin: unknown. Affected: yes. Observed: 1 variant allele.